The following is an entry in ClinVar:

NM_018834.6(MATR3):c.1130-8C>G

Gene: MATR3 (matrin 3; plus strand). Cytogenetic location: 5q31.2.
Variant type: single nucleotide variant.
Coding change: c.1130-8C>G on transcript NM_018834.6 (MANE Select); 8 bases into the intron before coding-DNA position 1130, C replaced by G.
Molecular consequence: intron variant.
Genome position (GRCh38, 1-based): chr5:139,317,045, C>G. VCF-style: chr5-139317045-C-G. GRCh37 (hg19) VCF-style: chr5-138652734-C-G.
Other names: c.1130-8C>G (NM_001400451.1, NM_001400450.1, NM_001400441.1 and 16 more transcripts); c.269-8C>G (NM_001400459.1); c.116-8C>G (NM_001400463.1, NM_001400460.1, NM_001282278.2 and 5 more transcripts); c.230-8C>G (NM_001400461.1); c.266-8C>G (NM_001194956.2).
Identifiers: ClinVar variation 2712716 (VCV002712716.3), dbSNP rs1163152014, ClinGen allele CA563303477.

ClinVar aggregate classification (germline): Uncertain significance (1 of 4 stars; one submission).

Conditions:
Amyotrophic lateral sclerosis type 21. Also called: VOCAL CORD AND PHARYNGEAL DYSFUNCTION WITH DISTAL MYOPATHY; MYOPATHY, DISTAL, 2. Identifiers: Orphanet 600, Orphanet 803, MedGen C3807521, MONDO:0011632, OMIM 606070.

gnomAD v4.1: 1 of 1,599,064 alleles (0.000063%); no homozygotes.

Submission:

Labcorp Genetics (formerly Invitae), Labcorp
Classification: Uncertain significance for Amyotrophic lateral sclerosis type 21. Last evaluated: 2023-10-18. Review status: criteria provided, single submitter. Criteria: Invitae Variant Classification Sherloc (09022015). Collection method: clinical testing. Allele origin: germline.
Comment: This sequence change falls in intron 8 of the MATR3 gene. It does not directly change the encoded amino acid sequence of the MATR3 protein. This variant is present in population databases (no rsID available, gnomAD 0.0009%). This variant has not been reported in the literature in individuals affected with MATR3-related conditions. Algorithms developed to predict the effect of sequence changes on RNA splicing suggest that this variant may disrupt the consensus splice site. In summary, the available evidence is currently insufficient to determine the role of this variant in disease. Therefore, it has been classified as a Variant of Uncertain Significance.